The following is an entry in ClinVar:

ClinVar aggregate classification (germline): Pathogenic (1 of 4 stars; one submission).

gnomAD v4.1: 1 of 1,612,604 alleles (0.000062%); highest among the groups gnomAD compares: Non-Finnish European, 0.000085%; no homozygotes.

Submission:

Labcorp Genetics (formerly Invitae), Labcorp
Classification: Pathogenic. Last evaluated: 2024-11-07. Review status: criteria provided, single submitter. Criteria: Invitae Variant Classification Sherloc (09022015). Collection method: clinical testing. Allele origin: germline.
Comment: This sequence change affects a donor splice site in intron 18 of the OTOF gene. It is expected to disrupt RNA splicing. Variants that disrupt the donor or acceptor splice site typically lead to a loss of protein function (PMID: 16199547), and loss-of-function variants in OTOF are known to be pathogenic (PMID: 18381613, 19250381, 22575033). This variant is not present in population databases (gnomAD no frequency). Disruption of this splice site has been observed in individuals with deafness, auditory neuropathy (PMID: 29196752; internal data). Algorithms developed to predict the effect of sequence changes on RNA splicing suggest that this variant may disrupt the consensus splice site. For these reasons, this variant has been classified as Pathogenic.

Literature cited by the submitters: PubMed 16199547; PubMed 18381613; PubMed 19250381; PubMed 22575033; PubMed 29196752.

NM_194248.3(OTOF):c.2214+1G>A

Gene: OTOF (otoferlin; minus strand). Cytogenetic location: 2p23.3.
Variant type: single nucleotide variant.
Coding change: c.2214+1G>A on transcript NM_194248.3 (MANE Select); the canonical splice donor site of the intron after coding-DNA position 2214, G replaced by A.
Molecular consequence: splice donor variant.
Genome position (GRCh38, 1-based): chr2:26,479,263, C>T on the plus strand (G>A on the coding strand, the complement: OTOF is on the minus strand). VCF-style: chr2-26479263-C-T. GRCh37 (hg19) VCF-style: chr2-26702131-C-T.
Other names: c.2214+1G>A (NM_001287489.2).
Identifiers: ClinVar variation 3721828 (VCV003721828.2).
Genomic context (GRCh38, chr2:26,479,263, plus strand): 5'-CCTCTGACAGCGCCGTCTCCCCCAGGACCCCACCCCTGCTGGCCCCTGGCCTGGCCCTGA[C>T]CAGCTTGTCGGCAATGTGGTCCATGATGTTGGCATTGTAGAGGCGGCGGCGCTGGTCCGG-3'